The following is an entry in ClinVar:

NM_001254.4(CDC6):c.140G>A (p.Arg47His)

Gene: CDC6 (cell division cycle 6; plus strand). Cytogenetic location: 17q21.2.
Variant type: single nucleotide variant.
Coding change: c.140G>A on transcript NM_001254.4 (MANE Select); coding-DNA position 140, G replaced by A.
Protein change: p.Arg47His; replaces arginine 47 with histidine.
Molecular consequence: missense variant.
Genome position (GRCh38, 1-based): chr17:40,289,560, G>A. VCF-style: chr17-40289560-G-A. GRCh37 (hg19) VCF-style: chr17-38445812-G-A.
Other names: short protein forms R47H.
Identifiers: ClinVar variation 1432438 (VCV001432438.8), dbSNP rs1215372904, ClinGen allele CA399325230.

ClinVar aggregate classification (germline): Uncertain significance (1 of 4 stars; one submission).

Allele frequency attached by ClinVar (database versions not stated): gnomAD 0.00001; gnomAD exomes 0.00001; TOPMed 0.00001.
gnomAD v4.1: 6 of 1,613,796 alleles (0.00037%); highest among the groups gnomAD compares: East Asian, 0.0089%; no homozygotes.

Submission:

Labcorp Genetics (formerly Invitae), Labcorp
Classification: Uncertain significance. Last evaluated: 2021-06-01. Review status: criteria provided, single submitter. Criteria: Invitae Variant Classification Sherloc (09022015). Collection method: clinical testing. Allele origin: germline.
Comment: In summary, the available evidence is currently insufficient to determine the role of this variant in disease. Therefore, it has been classified as a Variant of Uncertain Significance. Algorithms developed to predict the effect of missense changes on protein structure and function (SIFT, PolyPhen-2, Align-GVGD) all suggest that this variant is likely to be tolerated, but these predictions have not been confirmed by published functional studies and their clinical significance is uncertain. This variant has not been reported in the literature in individuals with CDC6-related conditions. This variant is not present in population databases (ExAC no frequency). This sequence change replaces arginine with histidine at codon 47 of the CDC6 protein (p.Arg47His). The arginine residue is weakly conserved and there is a small physicochemical difference between arginine and histidine.